The following is an entry in ClinVar:

NM_000352.6(ABCC8):c.3785C>T (p.Ala1262Val)

Gene: ABCC8 (ATP binding cassette subfamily C member 8; minus strand). Cytogenetic location: 11p15.1.
Variant type: single nucleotide variant.
Coding change: c.3785C>T on transcript NM_000352.6 (MANE Select); coding-DNA position 3785, C replaced by T.
Protein change: p.Ala1262Val; replaces alanine 1262 with valine.
Molecular consequence: missense variant. On other transcripts: non-coding transcript variant (1).
Genome position (GRCh38, 1-based): chr11:17,397,766, G>A on the plus strand (C>T on the coding strand, the complement: ABCC8 is on the minus strand). VCF-style: chr11-17397766-G-A. GRCh37 (hg19) VCF-style: chr11-17419313-G-A.
Other names: c.3788C>T, p.Ala1263Val (NM_001287174.3); c.3851C>T, p.Ala1284Val (NM_001351295.2); c.3785C>T, p.Ala1262Val (NM_001351296.2); c.3782C>T, p.Ala1261Val (NM_001351297.2); short protein forms A1261V, A1262V, A1263V, A1284V.
Identifiers: ClinVar variation 2506187 (VCV002506187.1), dbSNP rs2496470238, ClinGen allele CA379793524.
Genomic context (GRCh38, chr11:17,397,766, plus strand): 5'-AGGCCCACCAGGCCAGCAGAGAGCTCCCTGTGCAGGGAGTTGGAGATGGAGGTCACCGCT[G>A]CGATGAGCACCACACATGCACCGATGTACTCCTGGGGAGGGAGAGGAGCTGACCTGGGCG-3'
Protein context (NP_000343.2, residues 1252-1272): EYIGACVVLI[Ala1262Val]AVTSISNSLH

ClinVar aggregate classification (germline): Uncertain significance (1 of 4 stars; one submission).

Submission:

Women's Health and Genetics/Laboratory Corporation of America, LabCorp
Classification: Uncertain significance. Last evaluated: 2023-05-10. Review status: criteria provided, single submitter. Criteria: LabCorp Variant Classification Summary - May 2015. Collection method: clinical testing. Allele origin: germline.
Comment: Variant summary: ABCC8 c.3785C>T (p.Ala1262Val) results in a non-conservative amino acid change in the encoded protein sequence. Five of five in-silico tools predict a damaging effect of the variant on protein function. The variant was absent in 250474 control chromosomes. The available data on variant occurrences in the general population are insufficient to allow any conclusion about variant significance. c.3785C>T has been reported in the literature as a biallelic genotype in at least one individual affected with Neonatal Diabetes (Garcin_2020). These data do not allow any conclusion about variant significance. To our knowledge, no experimental evidence demonstrating an impact on protein function has been reported. The following publication have been ascertained in the context of this evaluation (PMID: 32418263). No clinical diagnostic laboratories have submitted clinical-significance assessments for this variant to ClinVar after 2014. Based on the evidence outlined above, the variant was classified as uncertain significance.

Literature cited by the submitters: PubMed 32418263.